The following is an entry in ClinVar:

ClinVar aggregate classification (germline): Pathogenic. Review status: no assertion criteria provided (0 of 4 stars). 2 submissions from 2 submitters: Pathogenic (2). Last evaluated 2020-02-28.

Conditions:
Fanconi anemia complementation group B (FANCB). Also called: FANCB-Related Fanconi Anemia; FANCONI PANCYTOPENIA, TYPE 2. Identifiers: Orphanet 84, MedGen C1845292, MONDO:0010351, OMIM 300514.

Submissions (2):

Leiden Open Variation Database
Classification: Pathogenic for Fanconi anemia complementation group B. Last evaluated: 2020-02-28. Review status: no assertion criteria provided. Collection method: curation. Allele origin: germline. Affected: yes.
Comment: Curator: Arleen D. Auerbach. Submitter to LOVD: Arleen D. Auerbach.

OMIM
Classification: Pathogenic for FANCONI ANEMIA, COMPLEMENTATION GROUP B. Last evaluated: 2004-11-01. Review status: no assertion criteria provided. Collection method: literature only. Allele origin: germline.

Literature cited by the submitters: PubMed 15502827 (cited by Leiden Open Variation Database and OMIM).

NM_001018113.3(FANCB):c.1856_1857insT (p.Arg619fs)

Gene: FANCB (FA complementation group B; minus strand). Cytogenetic location: Xp22.2.
Variant type: Insertion.
Coding change: c.1856_1857insT on transcript NM_001018113.3 (MANE Select); coding-DNA positions 1856 to 1857, T inserted.
Protein change: p.Arg619fs; shifts the reading frame from arginine 619.
Molecular consequence: frameshift variant.
Genome position: GRCh38 VCF-style: chrX-14844926-T-TA. GRCh37 (hg19) VCF-style: chrX-14863048-T-TA.
Other names: c.1856_1857insT, p.Arg619fs (NM_001324162.2, NM_152633.4); c.1856_1857insT, p.Arg619Serfs (NM_001410764.1); short protein forms R619fs.
Identifiers: ClinVar variation 691308 (VCV000691308.3), dbSNP rs1601977844, ClinGen allele CA915950776.
Genomic context (GRCh38, chrX:14,844,926, plus strand): 5'-CTTCTTTGGAAATGTCAGTAGGTACTTCCCAGTTGAAAGATCTTCTAGACTTAAAAAAAC[T>TA]CTGCCACACACAACATAACGATCTTTAGGACAGTTACCACTTTCTCTCTCCATAATTTGT-3'